The following is an entry in ClinVar:

NM_001035.3(RYR2):c.13465C>A (p.Gln4489Lys)

Gene: RYR2 (ryanodine receptor 2; plus strand). Cytogenetic location: 1q43.
Variant type: single nucleotide variant.
Coding change: c.13465C>A on transcript NM_001035.3 (MANE Select); coding-DNA position 13465, C replaced by A.
Protein change: p.Gln4489Lys; replaces glutamine 4489 with lysine.
Molecular consequence: missense variant.
Genome position (GRCh38, 1-based): chr1:237,788,124, C>A. VCF-style: chr1-237788124-C-A. GRCh37 (hg19) VCF-style: chr1-237951424-C-A.
Other names: short protein forms Q4489K.
Identifiers: ClinVar variation 1381109 (VCV001381109.7), dbSNP rs1657881640, ClinGen allele CA345416659.

ClinVar aggregate classification (germline): Uncertain significance (1 of 4 stars; one submission).

Conditions:
Catecholaminergic polymorphic ventricular tachycardia 1. Also called: RYR2-Related Catecholaminergic Polymorphic Ventricular Tachycardia; VENTRICULAR TACHYCARDIA, CATECHOLAMINERGIC POLYMORPHIC, 1, WITH OR WITHOUT ATRIAL DYSFUNCTION AND/OR DILATED CARDIOMYOPATHY; VENTRICULAR TACHYCARDIA, STRESS-INDUCED POLYMORPHIC 1. Identifiers: Orphanet 3286, MedGen C1631597, MONDO:0011484, OMIM 604772.

Submission:

Labcorp Genetics (formerly Invitae), Labcorp
Classification: Uncertain significance for Catecholaminergic polymorphic ventricular tachycardia 1. Last evaluated: 2021-09-24. Review status: criteria provided, single submitter. Criteria: Invitae Variant Classification Sherloc (09022015). Collection method: clinical testing. Allele origin: germline.
Comment: In summary, the available evidence is currently insufficient to determine the role of this variant in disease. Therefore, it has been classified as a Variant of Uncertain Significance. Advanced modeling of protein sequence and biophysical properties (such as structural, functional, and spatial information, amino acid conservation, physicochemical variation, residue mobility, and thermodynamic stability) performed at Invitae indicates that this missense variant is not expected to disrupt RYR2 protein function. This variant has not been reported in the literature in individuals affected with RYR2-related conditions. This variant is not present in population databases (ExAC no frequency). This sequence change replaces glutamine with lysine at codon 4489 of the RYR2 protein (p.Gln4489Lys). The glutamine residue is highly conserved and there is a small physicochemical difference between glutamine and lysine.